The following is an entry in ClinVar:

NM_024675.4(PALB2):c.1378_1379inv (p.Gln460Ter)

Gene: PALB2 (partner and localizer of BRCA2; minus strand). Cytogenetic location: 16p12.2.
Variant type: Inversion.
Coding change: c.1378_1379inv on transcript NM_024675.4 (MANE Select).
Protein change: p.Gln460Ter; replaces glutamine 460 with a stop codon.
Molecular consequence: nonsense.
Genome position: GRCh38 VCF-style: chr16-23635167-TG-CA. GRCh37 (hg19) VCF-style: chr16-23646488-TG-CA.
Other names: short protein forms Q460*.
Identifiers: ClinVar variation 1457322 (VCV001457322.11), ClinGen allele CA2573152178.

ClinVar aggregate classification (germline): Pathogenic. Review status: criteria provided, multiple submitters, no conflicts (2 of 4 stars). 2 submissions from 2 submitters: Pathogenic (2). Last evaluated 2021-09-27.

Conditions:
Familial cancer of breast. Also called: BREAST CANCER, FAMILIAL; hereditary breast carcinoma; Hereditary breast cancer. Identifiers: Orphanet 227535, MedGen C0346153, MONDO:0016419, OMIM 114480. Disease mechanism: loss of function.
Hereditary cancer-predisposing syndrome. Also called: Neoplastic Syndromes, Hereditary; Hereditary Cancer Syndrome; Hereditary neoplastic syndrome; Tumor predisposition. Identifiers: Orphanet 140162, MedGen C0027672, MeSH D009386, MONDO:0015356.

Submissions (2):

Labcorp Genetics (formerly Invitae), Labcorp
Classification: Pathogenic for Familial cancer of breast. Last evaluated: 2021-09-27. Review status: criteria provided, single submitter. Criteria: Invitae Variant Classification Sherloc (09022015). Collection method: clinical testing. Allele origin: germline.
Comment: For these reasons, this variant has been classified as Pathogenic. This nonsense change has been observed in individual(s) with breast cancer (PMID: 28724667). The frequency data for this variant in the population databases is not available, as this variant may be reported as separate entries in the ExAC database. This sequence change creates a premature translational stop signal (p.Gln460*) in the PALB2 gene. It is expected to result in an absent or disrupted protein product. Loss-of-function variants in PALB2 are known to be pathogenic (PMID: 17200668, 24136930, 25099575).

Ambry Genetics
Classification: Pathogenic for Hereditary cancer-predisposing syndrome. Last evaluated: 2021-02-11. Review status: criteria provided, single submitter. Criteria: Ambry Variant Classification Scheme 2023. Collection method: clinical testing. Allele origin: germline.
Comment: The c.1378_1379delCAinsTG pathogenic mutation, located in coding exon 4 of the PALB2 gene, results from the deletion of CA and insertion of TG at nucleotide positions 1378 to 1379. This results in the insertion of a stop signal at codon 460 (p.Q460*). This alteration is expected to result in loss of function by premature protein truncation or nonsense-mediated mRNA decay. As such, this alteration is interpreted as a disease-causing mutation.

Literature cited by the submitters: PubMed 28724667 (cited by Labcorp Genetics (formerly Invitae), Labcorp); PubMed 17200668 (cited by Labcorp Genetics (formerly Invitae), Labcorp); PubMed 24136930 (cited by Labcorp Genetics (formerly Invitae), Labcorp); PubMed 25099575 (cited by Labcorp Genetics (formerly Invitae), Labcorp).